The following is an entry in ClinVar:

NM_003482.4(KMT2D):c.14473C>G (p.Arg4825Gly)

Gene: KMT2D (lysine methyltransferase 2D; minus strand). Cytogenetic location: 12q13.12.
Variant type: single nucleotide variant.
Coding change: c.14473C>G on transcript NM_003482.4 (MANE Select); coding-DNA position 14473, C replaced by G.
Protein change: p.Arg4825Gly; replaces arginine 4825 with glycine.
Molecular consequence: missense variant.
Genome position (GRCh38, 1-based): chr12:49,028,051, G>C on the plus strand (C>G on the coding strand, the complement: KMT2D is on the minus strand). VCF-style: chr12-49028051-G-C. GRCh37 (hg19) VCF-style: chr12-49421834-G-C.
Other names: short protein forms R4825G.
Identifiers: ClinVar variation 3004964 (VCV003004964.4), dbSNP rs117904191, ClinGen allele CA236634571.

ClinVar aggregate classification (germline): Uncertain significance. Review status: criteria provided, multiple submitters, no conflicts (2 of 4 stars). 2 submissions from 2 submitters: Uncertain significance (2). Last evaluated 2026-08-06.

Conditions:
Choanal atresia-athelia-hypothyroidism-delayed puberty-short stature syndrome (BCAHH). Also called: BRANCHIAL ARCH ABNORMALITIES, CHOANAL ATRESIA, ATHELIA, HEARING LOSS, AND HYPOTHYROIDISM SYNDROME. Identifiers: Orphanet 589856, MedGen C5680310, MONDO:0035651, OMIM 620186.
Kabuki syndrome. Also called: NIIKAWA-KUROKI SYNDROME; Kabuki make-up syndrome. Identifiers: Orphanet 2322, MedGen C0796004, MONDO:0016512.

Submissions (2):

OLLIN Analises Genomicas, OLLIN
Classification: Uncertain significance for Choanal atresia-athelia-hypothyroidism-delayed puberty-short stature syndrome. Last evaluated: 2026-08-06. Review status: criteria provided, single submitter. Criteria: ACMG Guidelines 2015 PMID 25741868. Collection method: clinical testing. Allele origin: germline. Inheritance: Autosomal dominant inheritance.
Comment: This missense variant, located in exon 47 (of 55), is absent from gnomAD and has not been identified in the literature. However, it has been reported in ClinVar (accession VCV001299274.13). In silico analysis is inconclusive regarding the impact of this variant. According to the currently available evidence, this variant has been classified as uncertain significance (PM2_P).

Labcorp Genetics (formerly Invitae), Labcorp
Classification: Uncertain significance for Kabuki syndrome. Last evaluated: 2023-01-24. Review status: criteria provided, single submitter. Criteria: Invitae Variant Classification Sherloc (09022015). Collection method: clinical testing. Allele origin: germline.
Comment: In summary, the available evidence is currently insufficient to determine the role of this variant in disease. Therefore, it has been classified as a Variant of Uncertain Significance. Advanced modeling of protein sequence and biophysical properties (such as structural, functional, and spatial information, amino acid conservation, physicochemical variation, residue mobility, and thermodynamic stability) performed at Invitae indicates that this missense variant is not expected to disrupt KMT2D protein function. This variant has not been reported in the literature in individuals affected with KMT2D-related conditions. This variant is not present in population databases (gnomAD no frequency). This sequence change replaces arginine, which is basic and polar, with glycine, which is neutral and non-polar, at codon 4825 of the KMT2D protein (p.Arg4825Gly).